The following is an entry in ClinVar:

ClinVar aggregate classification (germline): Uncertain significance (1 of 4 stars; one submission).

Allele frequency attached by ClinVar (database versions not stated): ExAC 0.00007; 1000 Genomes Project 30x 0.00031; TOPMed 0.00002; gnomAD 0.00005; gnomAD exomes 0.00002; 1000 Genomes Project 0.00020.
gnomAD v4.1: 43 of 1,609,576 alleles (0.0027%); highest among the groups gnomAD compares: East Asian, 0.038%; no homozygotes.

Submission:

Labcorp Genetics (formerly Invitae), Labcorp
Classification: Uncertain significance. Last evaluated: 2025-05-16. Review status: criteria provided, single submitter. Criteria: Invitae Variant Classification Sherloc (09022015). Collection method: clinical testing. Allele origin: germline.
Comment: This sequence change replaces arginine, which is basic and polar, with histidine, which is basic and polar, at codon 3123 of the LAMA5 protein (p.Arg3123His). This variant is present in population databases (rs199787835, gnomAD 0.05%). This variant has not been reported in the literature in individuals affected with LAMA5-related conditions. ClinVar contains an entry for this variant (Variation ID: 1955291). Invitae Evidence Modeling of protein sequence and biophysical properties (such as structural, functional, and spatial information, amino acid conservation, physicochemical variation, residue mobility, and thermodynamic stability) indicates that this missense variant is not expected to disrupt LAMA5 protein function with a negative predictive value of 80%. In summary, the available evidence is currently insufficient to determine the role of this variant in disease. Therefore, it has been classified as a Variant of Uncertain Significance.

NM_005560.6(LAMA5):c.9368G>A (p.Arg3123His)

Gene: LAMA5 (laminin subunit alpha 5; minus strand). Cytogenetic location: 20q13.33.
Variant type: single nucleotide variant.
Coding change: c.9368G>A on transcript NM_005560.6 (MANE Select); coding-DNA position 9368, G replaced by A.
Protein change: p.Arg3123His; replaces arginine 3123 with histidine.
Molecular consequence: missense variant.
Genome position (GRCh38, 1-based): chr20:62,312,309, C>T on the plus strand (G>A on the coding strand, the complement: LAMA5 is on the minus strand). VCF-style: chr20-62312309-C-T. GRCh37 (hg19) VCF-style: chr20-60887365-C-T.
Other names: short protein forms R3123H.
Identifiers: ClinVar variation 1955291 (VCV001955291.5), dbSNP rs199787835, ClinGen allele CA9940268.
Genomic context (GRCh38, chr20:62,312,309, plus strand): 5'-AGCGGTGCCACGTTCGAGAGCGCCAGGCGAAGGAAGCCGTGGCCATGGAAAGTCATGGCG[C>T]GCCCCACCTGCGGGGAGGCCATCCCTGAGTGCCCGCGGGTGCCCCTGCATGTCCACAGAT-3'
Protein context (NP_005551.3, residues 3113-3133): AGCTADLLVG[Arg3123His]AMTFHGHGFL